The following is an entry in ClinVar:

NM_001111.5(ADAR):c.2763-20A>G

Gene: ADAR (adenosine deaminase RNA specific; minus strand). Cytogenetic location: 1q21.3.
Variant type: single nucleotide variant.
Coding change: c.2763-20A>G on transcript NM_001111.5 (MANE Select); 20 bases into the intron before coding-DNA position 2763, A replaced by G.
Molecular consequence: intron variant.
Genome position (GRCh38, 1-based): chr1:154,588,693, T>C on the plus strand (A>G on the coding strand, the complement: ADAR is on the minus strand). VCF-style: chr1-154588693-T-C. GRCh37 (hg19) VCF-style: chr1-154561169-T-C.
Other names: c.1878-20A>G (NM_001365046.1, NM_001025107.3, NM_001365048.1 and 2 more transcripts); c.2790-20A>G (NM_001365045.1); c.1800-20A>G (NM_001365049.1); c.2628-20A>G (NM_015841.4); c.2685-20A>G (NM_015840.4).
Identifiers: ClinVar variation 3750382 (VCV003750382.2).

ClinVar aggregate classification (germline): Uncertain significance (1 of 4 stars; one submission).

Conditions:
Symmetrical dyschromatosis of extremities (DSH). Also called: DYSCHROMATOSIS SYMMETRICA HEREDITARIA 1; RETICULATE ACROPIGMENTATION OF DOHI; SYMMETRIC DYSCHROMATOSIS OF THE EXTREMITIES; Dyschromatosis symmetrica hereditaria. Identifiers: Orphanet 41, MedGen C0406775, MONDO:0007483, OMIM 127400.
Aicardi-Goutieres syndrome 6 (AGS6). Identifiers: Orphanet 51, MedGen C3539013, MONDO:0014007, OMIM 615010.

Submission:

Labcorp Genetics (formerly Invitae), Labcorp
Classification: Uncertain significance for Aicardi-Goutieres syndrome 6; Symmetrical dyschromatosis of extremities. Last evaluated: 2024-07-21. Review status: criteria provided, single submitter. Criteria: Invitae Variant Classification Sherloc (09022015). Collection method: clinical testing. Allele origin: germline.
Comment: This sequence change falls in intron 9 of the ADAR gene. It does not directly change the encoded amino acid sequence of the ADAR protein. This variant is not present in population databases (gnomAD no frequency). This variant has not been reported in the literature in individuals affected with ADAR-related conditions. Algorithms developed to predict the effect of sequence changes on RNA splicing suggest that this variant may disrupt the consensus splice site. In summary, the available evidence is currently insufficient to determine the role of this variant in disease. Therefore, it has been classified as a Variant of Uncertain Significance.